The following is an entry in ClinVar:

NM_138694.4(PKHD1):c.10443del (p.Leu3481fs)

Gene: PKHD1 (PKHD1 ciliary IPT domain containing fibrocystin/polyductin; minus strand). Cytogenetic location: 6p12.3.
Variant type: Deletion.
Coding change: c.10443del on transcript NM_138694.4 (MANE Select); coding-DNA position 10443, one base deleted (G; older notation c.10443delG).
Protein change: p.Leu3481fs; shifts the reading frame from leucine 3481.
Molecular consequence: frameshift variant.
Genome position (GRCh38, 1-based): chr6:51,659,683, C deleted on the plus strand (G on the coding strand, the reverse complement: PKHD1 is on the minus strand). VCF-style (leftmost placement, unchanged base first): chr6-51659682-GC-G. GRCh37 (hg19) VCF-style: chr6-51524480-GC-G.
Other names: c.10443del (NM_138694.3); short protein forms L3481fs.
Identifiers: ClinVar variation 458584 (VCV000458584.9), dbSNP rs1554183559, ClinGen allele CA658657598.

ClinVar aggregate classification (germline): Pathogenic (1 of 4 stars; one submission).

Conditions:
Autosomal recessive polycystic kidney disease (ARPKD). Also called: AR polycystic kidney disease. Identifiers: Orphanet 731, Orphanet 8378, MedGen C0085548, MeSH D017044, MONDO:0009889.

Submission:

Labcorp Genetics (formerly Invitae), Labcorp
Classification: Pathogenic for Autosomal recessive polycystic kidney disease. Last evaluated: 2019-10-09. Review status: criteria provided, single submitter. Criteria: Invitae Variant Classification Sherloc (09022015). Collection method: clinical testing. Allele origin: germline.
Comment: This sequence change creates a premature translational stop signal (p.Leu3481Phefs*30) in the PKHD1 gene. It is expected to result in an absent or disrupted protein product. For these reasons, this variant has been classified as Pathogenic. Loss-of-function variants in PKHD1 are known to be pathogenic (PMID: 19940839). This variant has not been reported in the literature in individuals with PKHD1-related conditions. ClinVar contains an entry for this variant (Variation ID: 458584). This variant is not present in population databases (ExAC no frequency).

Literature cited by the submitters: PubMed 19940839.